The following is an entry in ClinVar:

ClinVar aggregate classification (germline): Uncertain significance (1 of 4 stars; one submission).

Allele frequency attached by ClinVar (database versions not stated): gnomAD 0.00001.
gnomAD v4.1: 62 of 1,531,260 alleles (0.004%); highest among the groups gnomAD compares: East Asian, 0.0075%; no homozygotes.

Submission:

Labcorp Genetics (formerly Invitae), Labcorp
Classification: Uncertain significance. Last evaluated: 2024-10-30. Review status: criteria provided, single submitter. Criteria: Invitae Variant Classification Sherloc (09022015). Collection method: clinical testing. Allele origin: germline.
Comment: This sequence change falls in intron 3 of the PALM gene. It does not directly change the encoded amino acid sequence of the PALM protein. It affects a nucleotide within the consensus splice site. The frequency data for this variant in the population databases is considered unreliable, as metrics indicate poor data quality at this position in the gnomAD database. This variant has not been reported in the literature in individuals affected with PALM-related conditions. ClinVar contains an entry for this variant (Variation ID: 1516832). Variants that disrupt the consensus splice site are a relatively common cause of aberrant splicing (PMID: 17576681, 9536098). Algorithms developed to predict the effect of sequence changes on RNA splicing suggest that this variant is not likely to affect RNA splicing. In summary, the available evidence is currently insufficient to determine the role of this variant in disease. Therefore, it has been classified as a Variant of Uncertain Significance.

Literature cited by the submitters: PubMed 17576681; PubMed 9536098.

NM_002579.3(PALM):c.138+4C>T

Gene: PALM (paralemmin; plus strand). Cytogenetic location: 19p13.3.
Variant type: single nucleotide variant.
Coding change: c.138+4C>T on transcript NM_002579.3 (MANE Select); 4 bases into the intron after coding-DNA position 138, C replaced by T.
Molecular consequence: intron variant.
Genome position (GRCh38, 1-based): chr19:727,092, C>T. VCF-style: chr19-727092-C-T. GRCh37 (hg19) VCF-style: chr19-727092-C-T.
Other names: c.138+4C>T (NM_001040134.2).
Identifiers: ClinVar variation 1516832 (VCV001516832.6), dbSNP rs761610939, ClinGen allele CA9022427.